The following is an entry in ClinVar:

ClinVar aggregate classification (germline): Uncertain significance (1 of 4 stars; one submission).

Conditions:
Dilated cardiomyopathy 1Z (CMD1Z). Identifiers: Orphanet 154, MedGen C2678475, MONDO:0012745, OMIM 611879.
Hypertrophic cardiomyopathy 13. Also called: TNNC1-Related Familial Hypertrophic Cardiomyopathy. Identifiers: MedGen C2750472, MONDO:0013195, OMIM 613243.

Submission:

Labcorp Genetics (formerly Invitae), Labcorp
Classification: Uncertain significance for Hypertrophic cardiomyopathy 13; Dilated cardiomyopathy 1Z. Last evaluated: 2024-05-04. Review status: criteria provided, single submitter. Criteria: Invitae Variant Classification Sherloc (09022015). Collection method: clinical testing. Allele origin: germline.
Comment: This sequence change replaces aspartic acid, which is acidic and polar, with asparagine, which is neutral and polar, at codon 3 of the TNNC1 protein (p.Asp3Asn). This variant is not present in population databases (gnomAD no frequency). This variant has not been reported in the literature in individuals affected with TNNC1-related conditions. ClinVar contains an entry for this variant (Variation ID: 1062430). An algorithm developed to predict the effect of missense changes on protein structure and function (PolyPhen-2) suggests that this variant is likely to be disruptive. In summary, the available evidence is currently insufficient to determine the role of this variant in disease. Therefore, it has been classified as a Variant of Uncertain Significance.

NM_003280.3(TNNC1):c.7G>A (p.Asp3Asn)

Gene: TNNC1 (troponin C1, slow skeletal and cardiac type; minus strand). Cytogenetic location: 3p21.1.
Variant type: single nucleotide variant.
Coding change: c.7G>A on transcript NM_003280.3 (MANE Select); coding-DNA position 7, G replaced by A.
Protein change: p.Asp3Asn; replaces aspartic acid 3 with asparagine.
Molecular consequence: missense variant.
Genome position (GRCh38, 1-based): chr3:52,454,009, C>T on the plus strand (G>A on the coding strand, the complement: TNNC1 is on the minus strand). VCF-style: chr3-52454009-C-T. GRCh37 (hg19) VCF-style: chr3-52488025-C-T.
Other names: short protein forms D3N.
Identifiers: ClinVar variation 1062430 (VCV001062430.5), dbSNP rs2153230088, ClinGen allele CA353170975.